The following is an entry in ClinVar:

NM_000019.3(ACAT1):c.*250C>T

Gene: ACAT1 (acetyl-CoA acetyltransferase 1; plus strand). Cytogenetic location: 11q22.3.
Variant type: single nucleotide variant.
Coding change: c.*250C>T on transcript NM_000019.3; 250 bases downstream of the stop codon, C replaced by T.
Genome position (GRCh38, 1-based): chr11:108,147,640, C>T. VCF-style: chr11-108147640-C-T. GRCh37 (hg19) VCF-style: chr11-108018367-C-T.
Identifiers: ClinVar variation 302217 (VCV000302217.7), dbSNP rs79179095, ClinGen allele CA10633284.
Genomic context (GRCh38, chr11:108,147,640, plus strand): 5'-CTTTTTTCTTGGTAACCTTGAAAAGTTTGATACATTTTTGCATTCTGAGTCTATACTTAT[C>T]GAAATATGGTAGAAATACCAATGTGTAATATTAGTGACTTACATAAGTAGCTAGAAGTTT-3'

ClinVar aggregate classification (germline): Benign (1 of 4 stars; one submission).

Conditions:
Deficiency of acetyl-CoA acetyltransferase. Also called: Beta-ketothiolase deficiency; 3-KETOTHIOLASE DEFICIENCY; 3-OXOTHIOLASE DEFICIENCY; MITOCHONDRIAL ACETOACETYL-CoA THIOLASE DEFICIENCY. Identifiers: Orphanet 134, MedGen C1536500, MONDO:0008760, OMIM 203750. Disease mechanism: loss of function.

Allele frequency attached by ClinVar (database versions not stated): gnomAD exomes 0.00165; gnomAD 0.01082 and 0.01146; 1000 Genomes Project 0.01198; TOPMed 0.01213; 1000 Genomes Project 30x 0.01359.

Submission:

Illumina Laboratory Services, Illumina
Classification: Benign for Deficiency of acetyl-CoA acetyltransferase. Last evaluated: 2018-01-12. Review status: criteria provided, single submitter. Criteria: ICSL Variant Classification Criteria 13 December 2019. Collection method: clinical testing. Allele origin: germline.
Comment: This variant was observed in the ICSL laboratory as part of a predisposition screen in an ostensibly healthy population. It had not been previously curated by ICSL or reported in the Human Gene Mutation Database (HGMD: prior to June 1st, 2018), and was therefore a candidate for classification through an automated scoring system. Utilizing variant allele frequency, disease prevalence and penetrance estimates, and inheritance mode, an automated score was calculated to assess if this variant is too frequent to cause the disease. Based on the score and internal cut-off values, a variant classified as benign is not then subjected to further curation. The score for this variant resulted in a classification of benign for this disease.